The following is an entry in ClinVar:

NM_024592.5(SRD5A3):c.*2005T>C

Genes: SRD5A3 (steroid 5 alpha-reductase 3; plus strand), SRD5A3-AS1 (SRD5A3 antisense RNA 1; minus strand). Cytogenetic location: 4q12.
Variant type: single nucleotide variant.
Coding change: c.*2005T>C on transcript NM_024592.5 (MANE Select); 2005 bases downstream of the stop codon, T replaced by C.
Molecular consequence: 3 prime UTR variant.
Genome position (GRCh38, 1-based): chr4:55,372,096, T>C. VCF-style: chr4-55372096-T-C. GRCh37 (hg19) VCF-style: chr4-56238263-T-C.
Identifiers: ClinVar variation 349033 (VCV000349033.6), dbSNP rs819269, ClinGen allele CA10621244.

ClinVar aggregate classification (germline): Benign. Review status: criteria provided, multiple submitters, no conflicts (2 of 4 stars). 2 submissions from 2 submitters: Benign (2). Last evaluated 2018-01-12.

Conditions:
SRD5A3-congenital disorder of glycosylation. Also called: CDG Iq; COLOBOMA, OCULAR, WITH ICHTHYOSIS, BRAIN MALFORMATIONS, AND ENDOCRINE ABNORMALITIES; Ocular colobomas, ichthyosis, brain malformations and endocrine abnormalities; Congenital disorder of glycosylation type 1Q; SRD5A3-CDG. Identifiers: Orphanet 324737, MedGen C4317224, MONDO:0012885, OMIM 612379.

Allele frequency attached by ClinVar (database versions not stated): TOPMed 0.26131; 1000 Genomes Project 0.26917; 1000 Genomes Project 30x 0.27186; gnomAD 0.27879 and 0.28122.

Submissions (2):

Illumina Laboratory Services, Illumina
Classification: Benign for SRD5A3-congenital disorder of glycosylation. Last evaluated: 2018-01-12. Review status: criteria provided, single submitter. Criteria: ICSL Variant Classification Criteria 13 December 2019. Collection method: clinical testing. Allele origin: germline.
Comment: This variant was observed in the ICSL laboratory as part of a predisposition screen in an ostensibly healthy population. It had not been previously curated by ICSL or reported in the Human Gene Mutation Database (HGMD: prior to June 1st, 2018), and was therefore a candidate for classification through an automated scoring system. Utilizing variant allele frequency, disease prevalence and penetrance estimates, and inheritance mode, an automated score was calculated to assess if this variant is too frequent to cause the disease. Based on the score and internal cut-off values, a variant classified as benign is not then subjected to further curation. The score for this variant resulted in a classification of benign for this disease.

Breakthrough Genomics
Classification: Benign. Review status: criteria provided, single submitter. Criteria: ACMG Guidelines, 2015. Collection method: not provided. Allele origin: germline. Inheritance: Autosomal recessive inheritance. Affected: yes.